The following is an entry in ClinVar:

NM_053054.4(CATSPER1):c.1544-7C>G

Gene: CATSPER1 (cation channel sperm associated 1; minus strand). Cytogenetic location: 11q13.1.
Variant type: single nucleotide variant.
Coding change: c.1544-7C>G on transcript NM_053054.4 (MANE Select); 7 bases into the intron before coding-DNA position 1544, C replaced by G.
Molecular consequence: intron variant.
Genome position (GRCh38, 1-based): chr11:66,021,650, G>C on the plus strand (C>G on the coding strand, the complement: CATSPER1 is on the minus strand). VCF-style: chr11-66021650-G-C. GRCh37 (hg19) VCF-style: chr11-65789121-G-C.
Identifiers: ClinVar variation 3043593 (VCV003043593.2), dbSNP rs1305015426, ClinGen allele CA600230909.

ClinVar aggregate classification (germline): Likely benign (0 of 4 stars; one submission).

Conditions:
CATSPER1-related disorder. Also called: CATSPER1-related condition.

Allele frequency attached by ClinVar (database versions not stated): TOPMed below 0.00001.
gnomAD v4.1: 2 of 1,606,400 alleles (0.00012%); no homozygotes.

Submission:

PreventionGenetics, part of Exact Sciences
Classification: Likely benign for CATSPER1-related condition. Last evaluated: 2019-05-28. Review status: no assertion criteria provided. Collection method: clinical testing. Allele origin: germline.
Comment: This variant is classified as likely benign based on ACMG/AMP sequence variant interpretation guidelines (Richards et al. 2015 PMID: 25741868, with internal and published modifications).